The following is an entry in ClinVar:

NM_006345.4(SLC30A9):c.51C>T (p.Ser17=)

Gene: SLC30A9 (solute carrier family 30 member 9; plus strand). Cytogenetic location: 4p13.
Variant type: single nucleotide variant.
Coding change: c.51C>T on transcript NM_006345.4 (MANE Select); coding-DNA position 51, C replaced by T.
Protein change: p.Ser17=; no amino-acid change (serine 17 retained).
Molecular consequence: synonymous variant.
Genome position (GRCh38, 1-based): chr4:41,990,702, C>T. VCF-style: chr4-41990702-C-T. GRCh37 (hg19) VCF-style: chr4-41992719-C-T.
Identifiers: ClinVar variation 3053487 (VCV003053487.15), dbSNP rs368704320, ClinGen allele CA2902114.
Genomic context (GRCh38, chr4:41,990,702, plus strand): 5'-CCCCACCAGGATGTTACCCGGCTTGGCCGCCGCCGCGGCCCACAGATGTAGCTGGTCCTC[C>T]CTGTGCCGGCTCCGTCTGCGATGCAGGGCGGCGGCCTGTAATCCCAGCGACCGCCAGGGT-3'
Protein context (NP_006336.3, residues 7-27): AAAAHRCSWS[Ser17=]LCRLRLRCRA

ClinVar aggregate classification (germline): Likely benign. Review status: criteria provided, single submitter (1 of 4 stars). 2 submissions from 2 submitters: Likely benign (1). 1 of the submissions does not count toward it. Last evaluated 2025-01-01.

Conditions:
SLC30A9-related disorder. Also called: SLC30A9-related condition.

Allele frequency attached by ClinVar (database versions not stated): gnomAD 0.00005; gnomAD exomes 0.00006; TOPMed 0.00007; ExAC 0.00008; ESP Exome Variant Server 0.00015; 1000 Genomes Project 30x 0.00016; 1000 Genomes Project 0.00020.
gnomAD v4.1: 91 of 1,612,390 alleles (0.0056%); highest among the groups gnomAD compares: Admixed American, 0.018%; no homozygotes.

Submissions (2):

CeGaT Center for Human Genetics Tuebingen
Classification: Likely benign. Last evaluated: 2025-01-01. Review status: criteria provided, single submitter. Criteria: CeGaT Center For Human Genetics Tuebingen Variant Classification Criteria Version 2. Collection method: clinical testing. Allele origin: germline. Affected: yes. Observed: 1 variant allele.
Comment: SLC30A9: BP4, BP7

PreventionGenetics, part of Exact Sciences
Classification: Likely benign for SLC30A9-related condition. Last evaluated: 2019-08-28. Review status: no assertion criteria provided. Collection method: clinical testing. Allele origin: germline. Not counted in ClinVar's aggregate classification.
Comment: This variant is classified as likely benign based on ACMG/AMP sequence variant interpretation guidelines (Richards et al. 2015 PMID: 25741868, with internal and published modifications).